The following is an entry in ClinVar:

NM_001031679.3(MSRB3):c.114T>C (p.Phe38=)

Gene: MSRB3 (methionine sulfoxide reductase B3; plus strand). Cytogenetic location: 12q14.3.
Variant type: single nucleotide variant.
Coding change: c.114T>C on transcript NM_001031679.3 (MANE Select); coding-DNA position 114, T replaced by C.
Protein change: p.Phe38=; no amino-acid change (phenylalanine 38 retained).
Molecular consequence: synonymous variant.
Genome position (GRCh38, 1-based): chr12:65,326,863, T>C. VCF-style: chr12-65326863-T-C. GRCh37 (hg19) VCF-style: chr12-65720643-T-C.
Other names: c.114T>C, p.Phe38= (NM_001193460.2, NM_001193461.2); c.135T>C, p.Phe45= (NM_198080.4).
Identifiers: ClinVar variation 163978 (VCV000163978.16), dbSNP rs114599476, ClinGen allele CA176732.

ClinVar aggregate classification (germline): Benign/Likely benign. Review status: criteria provided, multiple submitters, no conflicts (2 of 4 stars). 5 submissions from 5 submitters: Benign (1); Likely benign (4). Last evaluated 2025-06-30.

Allele frequency attached by ClinVar (database versions not stated): gnomAD exomes 0.00007 and 0.00024; ExAC 0.00025; 1000 Genomes Project 0.00040; 1000 Genomes Project 30x 0.00047; gnomAD 0.00087 and 0.00094; TOPMed 0.00105; ESP Exome Variant Server 0.00108.
gnomAD v4.1: 243 of 1,612,462 alleles (0.015%); highest among the groups gnomAD compares: African/African-American, 0.29%; no homozygotes.

Submissions (5):

Labcorp Genetics (formerly Invitae), Labcorp
Classification: Benign. Last evaluated: 2025-06-30. Review status: criteria provided, single submitter. Criteria: Invitae Variant Classification Sherloc (09022015). Collection method: clinical testing. Allele origin: germline.

Blueprint Genetics
Classification: Likely benign. Last evaluated: 2024-05-03. Review status: criteria provided, single submitter. Criteria: ACMG Guidelines, 2015. Collection method: clinical testing. Allele origin: germline.

GeneDx
Classification: Likely benign. Last evaluated: 2020-11-14. Review status: criteria provided, single submitter. Criteria: GeneDx Variant Classification Process June 2021. Collection method: clinical testing. Allele origin: germline. Affected: yes.

Laboratory for Molecular Medicine, Mass General Brigham Personalized Medicine
Classification: Likely benign. Last evaluated: 2012-04-30. Review status: criteria provided, single submitter. Criteria: LMM Criteria. Collection method: clinical testing. Allele origin: germline. Observed: 1 variant allele.
Comment: Phe38Phe in Exon 04 of MSRB3: This variant is not expected to have clinical sign ificance because it does not alter an amino acid residue, is not located within the splice consensus sequence, and has been identified in 0.3% (11/3738) of Afri can American chromosomes from a broad population by the NHLBI Exome Sequencing P roject (dbSNP rs114599476).

Breakthrough Genomics
Classification: Likely benign. Review status: criteria provided, single submitter. Criteria: ACMG Guidelines, 2015. Collection method: not provided. Allele origin: germline. Inheritance: Autosomal recessive inheritance. Affected: yes.